The following is an entry in ClinVar:

NM_000152.5(GAA):c.1760T>C (p.Leu587Pro)

Gene: GAA (alpha glucosidase; plus strand). Cytogenetic location: 17q25.3.
Variant type: single nucleotide variant.
Coding change: c.1760T>C on transcript NM_000152.5 (MANE Select); coding-DNA position 1760, T replaced by C.
Protein change: p.Leu587Pro; replaces leucine 587 with proline.
Molecular consequence: missense variant.
Genome position (GRCh38, 1-based): chr17:80,112,583, T>C. VCF-style: chr17-80112583-T-C. GRCh37 (hg19) VCF-style: chr17-78086382-T-C.
Other names: c.1760T>C, p.Leu587Pro (NM_001079803.3, NM_001079804.3, NM_001406741.1 and 1 more transcripts); short protein forms L587P.
Identifiers: ClinVar variation 4876581 (VCV004876581.1).

ClinVar aggregate classification (germline): Uncertain significance (1 of 4 stars; one submission).

Conditions:
Glycogen storage disease, type II (IOPD). Also called: Pompe Disease; CARDIOMEGALIA GLYCOGENICA DIFFUSA; GLYCOGENOSIS, GENERALIZED, CARDIAC FORM; GSD II; POMPE DISEASE, INFANTILE-ONSET; GLYCOGEN STORAGE DISEASE II, INFANTILE-ONSET. Identifiers: Orphanet 365, MedGen C0017921, MONDO:0009290, OMIM 232300.

Submission:

Genomenon, Inc
Classification: Uncertain significance for Glycogen storage disease, type II. Last evaluated: 2026-07-01. Review status: criteria provided, single submitter. Criteria: Genomenon Sequence Variant Interpretation Standards - Updated. Collection method: curation. Allele origin: germline.
Comment: GAA p.Leu587Pro (c.1760T>C) is a missense variant that changes the amino acid at codon 587 from Leucine to Proline. This variant has been reported in the compound heterozygous and/or homozygous state in an individual without a confirmed diagnosis of Pompe disease (PMID:31076647). It is absent or not present at a significant frequency in gnomAD. In silico models predict that this variant is possibly or probably damaging. In conclusion, we classify GAA p.Leu587Pro (c.1760T>C) as a variant of uncertain significance.

Literature cited by the submitters: PubMed 31076647.